The following is an entry in ClinVar:

ClinVar aggregate classification (germline): Uncertain significance (1 of 4 stars; one submission).

Submission:

Labcorp Genetics (formerly Invitae), Labcorp
Classification: Uncertain significance. Last evaluated: 2022-03-15. Review status: criteria provided, single submitter. Criteria: Invitae Variant Classification Sherloc (09022015). Collection method: clinical testing. Allele origin: germline.
Comment: In summary, the available evidence is currently insufficient to determine the role of this variant in disease. Therefore, it has been classified as a Variant of Uncertain Significance. Algorithms developed to predict the effect of missense changes on protein structure and function (SIFT, PolyPhen-2, Align-GVGD) all suggest that this variant is likely to be tolerated. This variant has not been reported in the literature in individuals affected with CCDC88A-related conditions. This variant is not present in population databases (gnomAD no frequency). This sequence change replaces methionine, which is neutral and non-polar, with threonine, which is neutral and polar, at codon 413 of the CCDC88A protein (p.Met413Thr).

NM_001365480.1(CCDC88A):c.1238T>C (p.Met413Thr)

Gene: CCDC88A (coiled-coil and HOOK domain protein 88A; minus strand). Cytogenetic location: 2p16.1.
Variant type: single nucleotide variant.
Coding change: c.1238T>C on transcript NM_001365480.1 (MANE Select); coding-DNA position 1238, T replaced by C.
Protein change: p.Met413Thr; replaces methionine 413 with threonine.
Molecular consequence: missense variant.
Genome position (GRCh38, 1-based): chr2:55,343,743, A>G on the plus strand (T>C on the coding strand, the complement: CCDC88A is on the minus strand). VCF-style: chr2-55343743-A-G. GRCh37 (hg19) VCF-style: chr2-55570879-A-G.
Other names: c.1238T>C, p.Met413Thr (NM_001135597.2, NM_001254943.2, NM_018084.5); short protein forms M413T.
Identifiers: ClinVar variation 1967785 (VCV001967785.5), dbSNP rs2544869169, ClinGen allele CA346905739.
Genomic context (GRCh38, chr2:55,343,743, plus strand): 5'-AGTTCCCAGCCAAGATGTAATGATTCATCCATACTTTGTTTCTGTGCCATTTCCAAAGTC[A>G]TATTTTCTTCCATTAATTCTTCAATCTTTTTTCTATCCATATCTCGTTCCTTTTTTATTG-3'
Protein context (NP_001352409.1, residues 403-423): KKIEELMEEN[Met413Thr]TLEMAQKQSM